The following is an entry in ClinVar:

NM_000166.6(GJB1):c.428T>G (p.Leu143Arg)

Gene: GJB1 (gap junction protein beta 1; plus strand). Cytogenetic location: Xq13.1.
Variant type: single nucleotide variant.
Coding change: c.428T>G on transcript NM_000166.6 (MANE Select); coding-DNA position 428, T replaced by G.
Protein change: p.Leu143Arg; replaces leucine 143 with arginine.
Molecular consequence: missense variant.
Genome position (GRCh38, 1-based): chrX:71,224,135, T>G. VCF-style: chrX-71224135-T-G. GRCh37 (hg19) VCF-style: chrX-70443985-T-G.
Other names: c.428T>G, p.Leu143Arg (NM_001097642.3); short protein forms L143R.
Identifiers: ClinVar variation 2071451 (VCV002071451.4), dbSNP rs1602349336, ClinGen allele CA413502371.

ClinVar aggregate classification (germline): Uncertain significance (1 of 4 stars; one submission).

Conditions:
Charcot-Marie-Tooth Neuropathy X. Identifiers: MedGen CN118851.

Submission:

Labcorp Genetics (formerly Invitae), Labcorp
Classification: Uncertain significance for Charcot-Marie-Tooth Neuropathy X. Last evaluated: 2022-10-13. Review status: criteria provided, single submitter. Criteria: Invitae Variant Classification Sherloc (09022015). Collection method: clinical testing. Allele origin: germline.
Comment: This variant has not been reported in the literature in individuals affected with GJB1-related conditions. This variant is not present in population databases (gnomAD no frequency). This sequence change replaces leucine, which is neutral and non-polar, with arginine, which is basic and polar, at codon 143 of the GJB1 protein (p.Leu143Arg). Algorithms developed to predict the effect of missense changes on protein structure and function (SIFT, PolyPhen-2, Align-GVGD) all suggest that this variant is likely to be disruptive. In summary, the available evidence is currently insufficient to determine the role of this variant in disease. Therefore, it has been classified as a Variant of Uncertain Significance.